The following is an entry in ClinVar:

ClinVar aggregate classification (germline): Likely benign (0 of 4 stars; one submission).

Conditions:
IGF1R-related disorder. Also called: IGF1R-related condition.

Allele frequency attached by ClinVar (database versions not stated): TOPMed below 0.00001; gnomAD 0.00001; gnomAD exomes 0.00001; ExAC 0.00005.
gnomAD v4.1: 17 of 1,613,464 alleles (0.0011%); highest among the groups gnomAD compares: South Asian, 0.016%; 1 homozygote.

Submission:

PreventionGenetics, part of Exact Sciences
Classification: Likely benign for IGF1R-related condition. Last evaluated: 2020-03-20. Review status: no assertion criteria provided. Collection method: clinical testing. Allele origin: germline.
Comment: This variant is classified as likely benign based on ACMG/AMP sequence variant interpretation guidelines (Richards et al. 2015 PMID: 25741868, with internal and published modifications).

NM_000875.5(IGF1R):c.831G>A (p.Val277=)

Gene: IGF1R (insulin like growth factor 1 receptor; plus strand). Cytogenetic location: 15q26.3.
Variant type: single nucleotide variant.
Coding change: c.831G>A on transcript NM_000875.5 (MANE Select); coding-DNA position 831, G replaced by A.
Protein change: p.Val277=; no amino-acid change (valine 277 retained).
Molecular consequence: synonymous variant.
Genome position (GRCh38, 1-based): chr15:98,891,515, G>A. VCF-style: chr15-98891515-G-A. GRCh37 (hg19) VCF-style: chr15-99434744-G-A.
Other names: c.831G>A, p.Val277= (NM_001291858.2).
Identifiers: ClinVar variation 3046723 (VCV003046723.2), dbSNP rs754913548, ClinGen allele CA7751915.